The following is an entry in ClinVar:

NM_000228.3(LAMB3):c.922C>T (p.Gln308Ter)

Gene: LAMB3 (laminin subunit beta 3; minus strand). Cytogenetic location: 1q32.2.
Variant type: single nucleotide variant.
Coding change: c.922C>T on transcript NM_000228.3 (MANE Select); coding-DNA position 922, C replaced by T.
Protein change: p.Gln308Ter; replaces glutamine 308 with a stop codon.
Molecular consequence: nonsense.
Genome position (GRCh38, 1-based): chr1:209,630,636, G>A on the plus strand (C>T on the coding strand, the complement: LAMB3 is on the minus strand). VCF-style: chr1-209630636-G-A. GRCh37 (hg19) VCF-style: chr1-209803981-G-A.
Other names: c.922C>T, p.Gln308Ter (NM_001017402.2, NM_001127641.1); short protein forms Q308*.
Identifiers: ClinVar variation 4735760 (VCV004735760.1).

ClinVar aggregate classification (germline): Pathogenic (1 of 4 stars; one submission).

gnomAD v4.1: 1 of 1,614,172 alleles (0.000062%); highest among the groups gnomAD compares: Non-Finnish European, 0.000085%; no homozygotes.

Submission:

Labcorp Genetics (formerly Invitae), Labcorp
Classification: Pathogenic. Last evaluated: 2026-01-19. Review status: criteria provided, single submitter. Criteria: Invitae Variant Classification Sherloc (09022015). Collection method: clinical testing. Allele origin: germline.
Comment: This sequence change creates a premature translational stop signal (p.Gln308*) in the LAMB3 gene. It is expected to result in an absent or disrupted protein product. Loss-of-function variants in LAMB3 are known to be pathogenic (PMID: 11023379, 16473856). This variant is not present in population databases (gnomAD no frequency). This variant has not been reported in the literature in individuals affected with LAMB3-related conditions. For these reasons, this variant has been classified as Pathogenic.

Literature cited by the submitters: PubMed 11023379; PubMed 16473856.